The following is an entry in ClinVar:

NM_015991.4(C1QA):c.687C>G (p.Gly229=)

Gene: C1QA (complement C1q A chain; plus strand). Cytogenetic location: 1p36.12.
Variant type: single nucleotide variant.
Coding change: c.687C>G on transcript NM_015991.4 (MANE Select); coding-DNA position 687, C replaced by G.
Protein change: p.Gly229=; no amino-acid change (glycine 229 retained).
Molecular consequence: synonymous variant.
Genome position (GRCh38, 1-based): chr1:22,639,356, C>G. VCF-style: chr1-22639356-C-G. GRCh37 (hg19) VCF-style: chr1-22965849-C-G.
Other names: c.687C>G, p.Gly229= (NM_001347465.2, NM_001347466.2).
Identifiers: ClinVar variation 4682055 (VCV004682055.5).

ClinVar aggregate classification (germline): Likely benign (1 of 4 stars; one submission).

Submission:

CeGaT Center for Human Genetics Tuebingen
Classification: Likely benign. Last evaluated: 2025-12-01. Review status: criteria provided, single submitter. Criteria: CeGaT Center For Human Genetics Tuebingen Variant Classification Criteria Version 2. Collection method: clinical testing. Allele origin: germline. Affected: yes. Observed: 1 variant allele.
Comment: C1QA: BP4, BP7